The following is an entry in ClinVar:

ClinVar aggregate classification (germline): Likely pathogenic (1 of 4 stars; one submission).

Submission:

Labcorp Genetics (formerly Invitae), Labcorp
Classification: Likely pathogenic. Last evaluated: 2025-10-06. Review status: criteria provided, single submitter. Criteria: Invitae Variant Classification Sherloc (09022015). Collection method: clinical testing. Allele origin: germline.
Comment: This sequence change replaces tryptophan, which is neutral and slightly polar, with arginine, which is basic and polar, at codon 931 of the SI protein (p.Trp931Arg). This variant is not present in population databases (gnomAD no frequency). This missense change has been observed in individual(s) with congenital sucrase-isomaltase deficiency (PMID: 28062276). Invitae Evidence Modeling of protein sequence and biophysical properties (such as structural, functional, and spatial information, amino acid conservation, physicochemical variation, residue mobility, and thermodynamic stability) indicates that this missense variant is expected to disrupt SI protein function with a positive predictive value of 95%. Experimental studies have shown that this missense change affects SI function (PMID: 28062276). In summary, the currently available evidence indicates that the variant is pathogenic, but additional data are needed to prove that conclusively. Therefore, this variant has been classified as Likely Pathogenic.

Literature cited by the submitters: PubMed 28062276.

NM_001041.4(SI):c.2791T>C (p.Trp931Arg)

Gene: SI (sucrase-isomaltase; minus strand). Cytogenetic location: 3q26.1.
Variant type: single nucleotide variant.
Coding change: c.2791T>C on transcript NM_001041.4 (MANE Select); coding-DNA position 2791, T replaced by C.
Protein change: p.Trp931Arg; replaces tryptophan 931 with arginine.
Molecular consequence: missense variant.
Genome position (GRCh38, 1-based): chr3:165,030,813, A>G on the plus strand (T>C on the coding strand, the complement: SI is on the minus strand). VCF-style: chr3-165030813-A-G. GRCh37 (hg19) VCF-style: chr3-164748601-A-G.
Other names: short protein forms W931R.
Identifiers: ClinVar variation 4747416 (VCV004747416.1).
Genomic context (GRCh38, chr3:165,030,813, plus strand): 5'-TTGCCAAATCTGCATCTGGATAACAATTAAATCTTTCATTTTCTGAGAAAATTTGATTCC[A>G]TTGAACACTAAAGTTTCTTCCAAGATTAAGTTTGAGATCTGCAATTAGGAGAACCTTTGA-3'
Protein context (NP_001032.2, residues 921-941): LNLGRNFSVQ[Trp931Arg]NQIFSENERF